The following continues an entry in ClinVar:

NM_001048174.2(MUTYH):c.841C>T (p.Arg281Cys)

Gene: MUTYH. ClinVar aggregate classification (germline): Conflicting classifications of pathogenicity. Uncertain significance (19); Likely benign (6).

Submission 27 of 27:

Department of Pathology and Laboratory Medicine, Sinai Health System
Classification: Uncertain significance for Familial adenomatous polyposis 2. Review status: no assertion criteria provided. Collection method: clinical testing. Allele origin: unknown. Affected: yes. Observed: 2 variant alleles. Study: The Canadian Open Genetics Repository (COGR). Not counted in ClinVar's aggregate classification.
Comment: The MUTYH p.Arg309Cys variant was identified in 11 of 6552 proband chromosomes (frequency: 0.002) from individuals or families with MAP, colorectal cancer, or breast cancer and was present in 9 of 3332 control chromosomes (frequency: 0.003) from healthy individuals (Aretz 2006, Halford 2003, Jones 2009, Nielsen 2009, Olschwang 2007, Out 2012, Rohlin 2017, Sieber 2003, Vogt 2009). Note that the variant was identified as c.883C>T (NM_001048171.1), p.Arg295Cys (NP_001041636.1) and p.Arg281Cys (NP_001041638.1) in the literature (Goto 2010, Komine 2015, Brinkmeyer 2015). The variant was also identified in dbSNP (ID: rs138089183) as "With Uncertain significance allele", and in ClinVar (classified as likely benign by Ambry Genetics; as uncertain significance by GeneDx, Invitae, and three clinical laboratories). The variant was not identified in COGR, Cosmic, or the UMD-LSDB database. The variant was identified in control databases in 129 of 277082 chromosomes at a frequency of 0.0005 increasing the likelihood this could be a low frequency benign variant (Genome Aggregation Database Feb 27, 2017). The variant was observed in the following populations: African in 1 of 24006 chromosomes (freq: 0.00004), Other in 5 of 6466 chromosomes (freq: 0.0008), Latino in 4 of 34414 chromosomes (freq: 0.0001), European in 115 of 126606 chromosomes (freq: 0.0009), Finnish in 3 of 25792 chromosomes (freq: 0.0001), and South Asian in 1 of 30780 chromosomes (freq: 0.00003); it was not observed in the Ashkenazi Jewish, or East Asian populations. The p.Arg309 residue is not conserved in mammals and computational analyses (PolyPhen-2, SIFT, AlignGVGD, BLOSUM, MutationTaster) provide inconsistent predictions regarding the impact to the protein; this information is not very predictive of pathogenicity. The variant occurs outside of the splicing consensus sequence and 1 of 4 in silico or computational prediction software programs (SpliceSiteFinder, MaxEntScan, NNSPLICE, GeneSplicer) predict a greater than 10% difference in splicing; this is not very predictive of pathogenicity. The variant exhibited low levels of active enzyme (5%) compared to WT MUTYH and displayed a significant decrease in substrate binding affinity relative to the WT enzyme (Brinkmeyer 2015). In addition, in an in vitro glycosylase assay two studies displayed the variant having normal glycosylase activity (Goto 2010, Komine 2015) but a third showed that glycosylase activity was less efficient (Brinkmeyer 2015). In summary, based on the above information the clinical significance of this variant cannot be determined with certainty at this time. This variant is classified as a variant of uncertain significance.

Literature cited by the submitters: PubMed 12606733 (cited by 6 submitters); PubMed 19732775 (cited by 6 submitters); PubMed 27829682 (cited by 5 submitters); PubMed 35545820 (cited by 3 submitters); PubMed 25820570 (cited by 6 submitters); PubMed 26377631 (cited by 6 submitters); PubMed 20848659 (cited by 7 submitters); PubMed 40234396 (cited by Center for Genomic Medicine, Rigshospitalet, Copenhagen University Hospital); PubMed 22297469 (cited by 4 submitters); PubMed 16408224 (cited by 5 submitters); PubMed 16557584 (cited by 6 submitters); PubMed 17949294 (cited by 6 submitters); PubMed 19032956 (cited by 4 submitters); PubMed 15465463 (cited by Women's Health and Genetics/Laboratory Corporation of America, LabCorp); PubMed 12707038 (cited by 5 submitters); PubMed 27696107 (cited by 4 submitters); PubMed 27153395 (cited by 3 submitters); PubMed 28135145 (cited by 3 submitters); PubMed 28726808 (cited by 4 submitters); PubMed 31159747 (cited by 3 submitters); PubMed 32615015 (cited by Women's Health and Genetics/Laboratory Corporation of America, LabCorp); PubMed 34326862 (cited by Women's Health and Genetics/Laboratory Corporation of America, LabCorp and Quest Diagnostics Nichols Institute San Juan Capistrano); PubMed 35534704 (cited by Women's Health and Genetics/Laboratory Corporation of America, LabCorp and Quest Diagnostics Nichols Institute San Juan Capistrano); PubMed 37239438 (cited by Women's Health and Genetics/Laboratory Corporation of America, LabCorp); PubMed 38566764 (cited by Women's Health and Genetics/Laboratory Corporation of America, LabCorp); PubMed 19394335 (cited by 5 submitters); PubMed 25318351 (cited by Quest Diagnostics Nichols Institute San Juan Capistrano); PubMed 23605219 (cited by Quest Diagnostics Nichols Institute San Juan Capistrano and Ambry Genetics); PubMed 21235684 (cited by Quest Diagnostics Nichols Institute San Juan Capistrano); PubMed 35668106 (cited by Quest Diagnostics Nichols Institute San Juan Capistrano and Mayo Clinic Laboratories, Mayo Clinic); PubMed 19527492 (cited by Quest Diagnostics Nichols Institute San Juan Capistrano); PubMed 25980754 (cited by Quest Diagnostics Nichols Institute San Juan Capistrano and Sema4); PubMed 33471991 (cited by Quest Diagnostics Nichols Institute San Juan Capistrano and Sema4).